The following is an entry in ClinVar:

NM_002354.3(EPCAM):c.638C>T (p.Ala213Val)

Gene: EPCAM (epithelial cell adhesion molecule; plus strand). Cytogenetic location: 2p21.
Variant type: single nucleotide variant.
Coding change: c.638C>T on transcript NM_002354.3 (MANE Select); coding-DNA position 638, C replaced by T.
Protein change: p.Ala213Val; replaces alanine 213 with valine.
Molecular consequence: missense variant.
Genome position (GRCh38, 1-based): chr2:47,379,035, C>T. VCF-style: chr2-47379035-C-T. GRCh37 (hg19) VCF-style: chr2-47606174-C-T.
Other names: short protein forms A213V.
Identifiers: ClinVar variation 5036027 (VCV005036027.1).

ClinVar aggregate classification (germline): Uncertain significance (1 of 4 stars; one submission).

Conditions:
Hereditary cancer-predisposing syndrome. Also called: Hereditary Cancer Syndrome; Neoplastic Syndromes, Hereditary; Tumor predisposition; Hereditary neoplastic syndrome. Identifiers: Orphanet 140162, MedGen C0027672, MeSH D009386, MONDO:0015356.

gnomAD v4.1: 1 of 1,587,806 alleles (0.000063%); highest among the groups gnomAD compares: Non-Finnish European, 0.000086%; no homozygotes.

Submission:

Ambry Genetics
Classification: Uncertain significance for Hereditary cancer-predisposing syndrome. Last evaluated: 2026-07-09. Review status: criteria provided, single submitter. Criteria: Ambry Variant Classification Scheme 2023. Collection method: clinical testing. Allele origin: germline.
Comment: The p.A213V variant (also known as c.638C>T), located in coding exon 6 of the EPCAM gene, results from a C to T substitution at nucleotide position 638. The alanine at codon 213 is replaced by valine, an amino acid with similar properties. This amino acid position is conserved. In addition, this alteration is predicted to be deleterious by in silico analysis. Based on the available evidence, the clinical significance of this variant remains unclear.